The following is an entry in ClinVar:

NM_001232.4(CASQ2):c.234+10704G>A

Gene: CASQ2 (calsequestrin 2; minus strand). Cytogenetic location: 1p13.1.
Variant type: single nucleotide variant.
Coding change: c.234+10704G>A on transcript NM_001232.4 (MANE Select); 10704 bases into the intron after coding-DNA position 234, G replaced by A.
Molecular consequence: intron variant.
Genome position (GRCh38, 1-based): chr1:115,757,604, C>T on the plus strand (G>A on the coding strand, the complement: CASQ2 is on the minus strand). VCF-style: chr1-115757604-C-T. GRCh37 (hg19) VCF-style: chr1-116300225-C-T.
Identifiers: ClinVar variation 4681764 (VCV004681764.5).

ClinVar aggregate classification (germline): Benign (1 of 4 stars; one submission).

gnomAD v4.1: 307 of 152,294 alleles (0.2%); highest among the groups gnomAD compares: South Asian, 0.89%; 2 homozygotes.

Submission:

CeGaT Center for Human Genetics Tuebingen
Classification: Benign. Last evaluated: 2026-08-01. Review status: criteria provided, single submitter. Criteria: CeGaT Center For Human Genetics Tuebingen Variant Classification Criteria Version 2. Collection method: clinical testing. Allele origin: germline. Affected: yes. Observed: 6 variant alleles.
Comment: CASQ2: BS1, BS2